The following is an entry in ClinVar:

NM_001271.4(CHD2):c.3151C>G (p.Gln1051Glu)

Gene: CHD2 (chromodomain helicase DNA binding protein 2; plus strand). Cytogenetic location: 15q26.1.
Variant type: single nucleotide variant.
Coding change: c.3151C>G on transcript NM_001271.4 (MANE Select); coding-DNA position 3151, C replaced by G.
Protein change: p.Gln1051Glu; replaces glutamine 1051 with glutamic acid.
Molecular consequence: missense variant.
Genome position (GRCh38, 1-based): chr15:92,984,414, C>G. VCF-style: chr15-92984414-C-G. GRCh37 (hg19) VCF-style: chr15-93527644-C-G.
Other names: short protein forms Q1051E.
Identifiers: ClinVar variation 1314697 (VCV001314697.3), dbSNP rs888718300, ClinGen allele CA274859041.

ClinVar aggregate classification (germline): Uncertain significance (1 of 4 stars; one submission).

Allele frequency attached by ClinVar (database versions not stated): gnomAD 0.00001; TOPMed 0.00001.
gnomAD v4.1: 1 of 1,611,408 alleles (0.000062%); highest among the groups gnomAD compares: African/African-American, 0.0013%; no homozygotes.

Submission:

GeneDx
Classification: Uncertain significance. Last evaluated: 2025-05-08. Review status: criteria provided, single submitter. Criteria: GeneDx Variant Classification Process June 2021. Collection method: clinical testing. Allele origin: germline. Affected: yes.
Comment: Not observed at significant frequency in large population cohorts (gnomAD); In silico analysis suggests that this missense variant does not alter protein structure/function; Has not been previously published as pathogenic or benign to our knowledge